The following is an entry in ClinVar:

ClinVar aggregate classification (germline): Pathogenic (1 of 4 stars; one submission).

Conditions:
Werner syndrome (WRN). Identifiers: Orphanet 902, MedGen C0043119, MONDO:0010196, OMIM 277700.

Submission:

Labcorp Genetics (formerly Invitae), Labcorp
Classification: Pathogenic for Werner syndrome. Last evaluated: 2023-08-23. Review status: criteria provided, single submitter. Criteria: Invitae Variant Classification Sherloc (09022015). Collection method: clinical testing. Allele origin: germline.
Comment: For these reasons, this variant has been classified as Pathogenic. Algorithms developed to predict the effect of sequence changes on RNA splicing suggest that this variant may disrupt the consensus splice site. Disruption of this splice site has been observed in individual(s) with Werner syndrome (PMID: 9450180). It has also been observed to segregate with disease in related individuals. This variant is not present in population databases (gnomAD no frequency). This sequence change affects a donor splice site in intron 30 of the WRN gene. It is expected to disrupt RNA splicing. Variants that disrupt the donor or acceptor splice site typically lead to a loss of protein function (PMID: 16199547), and loss-of-function variants in WRN are known to be pathogenic (PMID: 16673358).

Literature cited by the submitters: PubMed 9450180; PubMed 16199547; PubMed 16673358.

NM_000553.6(WRN):c.3572+2T>C

Gene: WRN (WRN RecQ like helicase; plus strand). Cytogenetic location: 8p12.
Variant type: single nucleotide variant.
Coding change: c.3572+2T>C on transcript NM_000553.6 (MANE Select); the canonical splice donor site of the intron after coding-DNA position 3572, T replaced by C.
Molecular consequence: splice donor variant.
Genome position (GRCh38, 1-based): chr8:31,147,478, T>C. VCF-style: chr8-31147478-T-C. GRCh37 (hg19) VCF-style: chr8-31004994-T-C.
Identifiers: ClinVar variation 2752849 (VCV002752849.3), dbSNP rs2536043465, ClinGen allele CA370926264.